The following is an entry in ClinVar:

ClinVar aggregate classification (germline): Likely pathogenic. Review status: criteria provided, single submitter (1 of 4 stars). 2 submissions from 2 submitters: Likely pathogenic (1). 1 of the submissions does not count toward it. Last evaluated 2021-04-01.

Conditions:
Neurodevelopmental disorder with language impairment and behavioral abnormalities. Also called: GRIA2-related neurodevelopmental disorder. Identifiers: MedGen C5394502, MONDO:0030060, OMIM 618917.

Submissions (2):

SIB Swiss Institute of Bioinformatics
Classification: Likely pathogenic for Neurodevelopmental disorder with language impairment and behavioral abnormalities. Last evaluated: 2021-04-01. Review status: criteria provided, single submitter. Criteria: ACMG Guidelines, 2015. Collection method: curation. Allele origin: unknown.
Comment: This variant is interpreted as a likely pathogenic for Neurodevelopmental disorder with language impairment and behavioral abnormalities, autosomal dominant. The following ACMG Tag(s) were applied: Absent from controls (or at extremely low frequency if recessive) in Exome Sequencing Project, 1000 Genomes Project, or Exome Aggregation Consortium (PM2); De novo (paternity and maternity confirmed) (PS2 downgraded to moderate); Multiple lines of computational evidence support a deleterious effect on the gene or gene product (PP3); Missense variant in a gene that has a low rate of benign missense variation and in which missense variants are a common mechanism of disease (PP2).

OMIM
Classification: Pathogenic for NEURODEVELOPMENTAL DISORDER WITH LANGUAGE IMPAIRMENT AND BEHAVIORAL ABNORMALITIES. Last evaluated: 2020-06-25. Review status: no assertion criteria provided. Collection method: literature only. Allele origin: germline. Not counted in ClinVar's aggregate classification.

Literature cited by the submitters: PubMed 31300657 (cited by SIB Swiss Institute of Bioinformatics and OMIM).

NM_001083619.3(GRIA2):c.1582C>A (p.Pro528Thr)

Gene: GRIA2 (glutamate ionotropic receptor AMPA type subunit 2; plus strand). Cytogenetic location: 4q32.1.
Variant type: single nucleotide variant.
Coding change: c.1582C>A on transcript NM_001083619.3 (MANE Select); coding-DNA position 1582, C replaced by A.
Protein change: p.Pro528Thr; replaces proline 528 with threonine.
Molecular consequence: missense variant.
Genome position (GRCh38, 1-based): chr4:157,336,485, C>A. VCF-style: chr4-157336485-C-A. GRCh37 (hg19) VCF-style: chr4-158257637-C-A.
Other names: c.1582C>A, p.Pro528Thr (NM_000826.6); c.1441C>A, p.Pro481Thr (NM_001083620.3, NM_001379000.3, NM_001379001.3); short protein forms P528T, P481T.
Identifiers: ClinVar variation 929840 (VCV000929840.2), dbSNP rs1735294501, ClinGen allele CA358648115.